The following is an entry in ClinVar:

ClinVar aggregate classification (germline): Uncertain significance (1 of 4 stars; one submission).

Conditions:
MDN1-related disorder. Also called: MDN1-related condition.

Submission:

PreventionGenetics, part of Exact Sciences
Classification: Uncertain significance for MDN1-related condition. Last evaluated: 2022-11-02. Review status: criteria provided, single submitter. Criteria: ACMG Guidelines, 2015. Collection method: clinical testing. Allele origin: germline.
Comment: The MDN1 c.6321+2T>C variant is predicted to disrupt the GT donor site and interfere with normal splicing. To our knowledge, this variant has not been reported in the literature or in a large population database, indicating this variant is rare. At this time, the clinical significance of this variant is uncertain due to the absence of conclusive functional and genetic evidence.

NM_014611.3(MDN1):c.6321+2T>C

Gene: MDN1 (midasin AAA ATPase 1; minus strand). Cytogenetic location: 6q15.
Variant type: single nucleotide variant.
Coding change: c.6321+2T>C on transcript NM_014611.3 (MANE Select); the canonical splice donor site of the intron after coding-DNA position 6321, T replaced by C.
Molecular consequence: splice donor variant.
Genome position (GRCh38, 1-based): chr6:89,718,765, A>G on the plus strand (T>C on the coding strand, the complement: MDN1 is on the minus strand). VCF-style: chr6-89718765-A-G. GRCh37 (hg19) VCF-style: chr6-90428484-A-G.
Identifiers: ClinVar variation 2635145 (VCV002635145.1), dbSNP rs2536270670, ClinGen allele CA365005676.